The following is an entry in ClinVar:

NM_006073.4(TRDN):c.840G>T (p.Gly280=)

Gene: TRDN (triadin; minus strand). Cytogenetic location: 6q22.31.
Variant type: single nucleotide variant.
Coding change: c.840G>T on transcript NM_006073.4 (MANE Select); coding-DNA position 840, G replaced by T.
Protein change: p.Gly280=; no amino-acid change (glycine 280 retained).
Molecular consequence: synonymous variant. On other transcripts: intron variant (2).
Genome position (GRCh38, 1-based): chr6:123,497,206, C>A on the plus strand (G>T on the coding strand, the complement: TRDN is on the minus strand). VCF-style: chr6-123497206-C-A. GRCh37 (hg19) VCF-style: chr6-123818351-C-A.
Other names: c.840G>T, p.Gly280= (NM_001251987.2); c.793+6513G>T (NM_001407315.1, NM_001256020.2).
Identifiers: ClinVar variation 2156724 (VCV002156724.4), dbSNP rs2534274677, ClinGen allele CA452057197.

ClinVar aggregate classification (germline): Uncertain significance (1 of 4 stars; one submission).

Conditions:
Catecholaminergic polymorphic ventricular tachycardia 1. Also called: VENTRICULAR TACHYCARDIA, CATECHOLAMINERGIC POLYMORPHIC, 1, WITH OR WITHOUT ATRIAL DYSFUNCTION AND/OR DILATED CARDIOMYOPATHY; RYR2-Related Catecholaminergic Polymorphic Ventricular Tachycardia; VENTRICULAR TACHYCARDIA, STRESS-INDUCED POLYMORPHIC 1. Identifiers: Orphanet 3286, MedGen C1631597, MONDO:0011484, OMIM 604772.

Submission:

Labcorp Genetics (formerly Invitae), Labcorp
Classification: Uncertain significance for Catecholaminergic polymorphic ventricular tachycardia 1. Last evaluated: 2022-06-12. Review status: criteria provided, single submitter. Criteria: Invitae Variant Classification Sherloc (09022015). Collection method: clinical testing. Allele origin: germline.
Comment: In summary, the available evidence is currently insufficient to determine the role of this variant in disease. Therefore, it has been classified as a Variant of Uncertain Significance. Algorithms developed to predict the effect of sequence changes on RNA splicing suggest that this variant may disrupt the consensus splice site. This variant has not been reported in the literature in individuals affected with TRDN-related conditions. This variant is not present in population databases (gnomAD no frequency). This sequence change affects codon 280 of the TRDN mRNA. It is a 'silent' change, meaning that it does not change the encoded amino acid sequence of the TRDN protein.